The following is an entry in ClinVar:

NM_000256.3(MYBPC3):c.2816G>C (p.Arg939Pro)

Gene: MYBPC3 (myosin binding protein C3; minus strand). Cytogenetic location: 11p11.2.
Variant type: single nucleotide variant.
Coding change: c.2816G>C on transcript NM_000256.3 (MANE Select); coding-DNA position 2816, G replaced by C.
Protein change: p.Arg939Pro; replaces arginine 939 with proline.
Molecular consequence: missense variant.
Genome position (GRCh38, 1-based): chr11:47,335,131, C>G on the plus strand (G>C on the coding strand, the complement: MYBPC3 is on the minus strand). VCF-style: chr11-47335131-C-G. GRCh37 (hg19) VCF-style: chr11-47356682-C-G.
Other names: short protein forms R939P.
Identifiers: ClinVar variation 1468783 (VCV001468783.12), dbSNP rs946763177, ClinGen allele CA221683725.

ClinVar aggregate classification (germline): Uncertain significance. Review status: criteria provided, multiple submitters, no conflicts (2 of 4 stars). 4 submissions from 4 submitters: Uncertain significance (4). Last evaluated 2024-03-06.

Conditions:
Hypertrophic cardiomyopathy 4. Also called: Familial hypertrophic cardiomyopathy 4. Identifiers: MedGen C1861862, MONDO:0007268, OMIM 115197.
Left ventricular noncompaction 10 (LVNC10). Identifiers: Orphanet 154, Orphanet 54260, MedGen C3715165, MONDO:0014163, OMIM 615396.
Cardiomyopathy (CMYO). Also called: Cardiomyopathies. Identifiers: Orphanet 167848, MedGen C0878544, MONDO:0004994, HP:0001638. Inheritance: Various modes of inheritance.
Hypertrophic cardiomyopathy. Also called: HYPERTROPHIC MYOCARDIOPATHY. Identifiers: Orphanet 217569, MedGen C0007194, MeSH D002312, MONDO:0005045, HP:0001639.

gnomAD v4.1: 5 of 1,612,650 alleles (0.00031%); highest among the groups gnomAD compares: African/African-American, 0.0053%; no homozygotes.

Submissions (4):

Color Diagnostics, LLC DBA Color Health
Classification: Uncertain significance for Cardiomyopathy. Last evaluated: 2024-03-06. Review status: criteria provided, single submitter. Criteria: ACMG Guidelines, 2015. Collection method: clinical testing. Allele origin: germline.
Comment: This missense variant replaces arginine with proline at codon 939 of the MYBPC3 protein. Computational prediction suggests that this variant may not impact protein structure and function (internally defined REVEL score threshold <= 0.5, PMID: 27666373). To our knowledge, functional studies have not been reported for this variant. This variant has not been reported in individuals affected with cardiovascular disorders in the literature. This variant has not been identified in the general population by the Genome Aggregation Database (gnomAD). The available evidence is insufficient to determine the role of this variant in disease conclusively. Therefore, this variant is classified as a Variant of Uncertain Significance.

Labcorp Genetics (formerly Invitae), Labcorp
Classification: Uncertain significance for Hypertrophic cardiomyopathy. Last evaluated: 2023-10-04. Review status: criteria provided, single submitter. Criteria: Invitae Variant Classification Sherloc (09022015). Collection method: clinical testing. Allele origin: germline.
Comment: This sequence change replaces arginine, which is basic and polar, with proline, which is neutral and non-polar, at codon 939 of the MYBPC3 protein (p.Arg939Pro). This variant is not present in population databases (gnomAD no frequency). This variant has not been reported in the literature in individuals affected with MYBPC3-related conditions. ClinVar contains an entry for this variant (Variation ID: 1468783). An algorithm developed to predict the effect of missense changes on protein structure and function (PolyPhen-2) suggests that this variant is likely to be disruptive. In summary, the available evidence is currently insufficient to determine the role of this variant in disease. Therefore, it has been classified as a Variant of Uncertain Significance.

All of Us Research Program, National Institutes of Health
Classification: Uncertain significance for Hypertrophic cardiomyopathy. Last evaluated: 2023-08-15. Review status: criteria provided, single submitter. Criteria: ACMG Guidelines, 2015. Collection method: clinical testing. Allele origin: germline. Inheritance: Autosomal dominant inheritance. Observed: 1 variant allele, 1 heterozygote.
Comment: This missense variant replaces arginine with proline at codon 939 of the MYBPC3 protein. Computational prediction suggests that this variant may not impact protein structure and function (internally defined REVEL score threshold <= 0.5, PMID: 27666373). To our knowledge, functional studies have not been reported for this variant. This variant has not been reported in individuals affected with cardiovascular disorders in the literature. This variant has not been identified in the general population by the Genome Aggregation Database (gnomAD). The available evidence is insufficient to determine the role of this variant in disease conclusively. Therefore, this variant is classified as a Variant of Uncertain Significance.

This study involves interpretation of variants in research participants for the purpose of population health screening. Participant phenotype was not available at the time of variant classification. Additional details can be found in publication PMID: 35346344, PMCID: PMC8962531

Fulgent Genetics
Classification: Uncertain significance for Hypertrophic cardiomyopathy 4; Left ventricular noncompaction 10. Last evaluated: 2021-07-05. Review status: criteria provided, single submitter. Criteria: ACMG Guidelines, 2015. Collection method: clinical testing. Allele origin: unknown.